The following is an entry in ClinVar:

ClinVar aggregate classification (germline): Uncertain significance (1 of 4 stars; one submission).

Allele frequency attached by ClinVar (database versions not stated): gnomAD exomes 0.00001; ExAC 0.00002.
gnomAD v4.1: 6 of 1,612,896 alleles (0.00037%); highest among the groups gnomAD compares: Admixed American, 0.01%; no homozygotes.

Submission:

Labcorp Genetics (formerly Invitae), Labcorp
Classification: Uncertain significance. Last evaluated: 2022-07-20. Review status: criteria provided, single submitter. Criteria: Invitae Variant Classification Sherloc (09022015). Collection method: clinical testing. Allele origin: germline.
Comment: This sequence change replaces lysine, which is basic and polar, with glutamine, which is neutral and polar, at codon 897 of the ITPR1 protein (p.Lys897Gln). This variant is present in population databases (rs745388030, gnomAD 0.02%). This variant has not been reported in the literature in individuals affected with ITPR1-related conditions. Algorithms developed to predict the effect of missense changes on protein structure and function (SIFT, PolyPhen-2, Align-GVGD) all suggest that this variant is likely to be tolerated. In summary, the available evidence is currently insufficient to determine the role of this variant in disease. Therefore, it has been classified as a Variant of Uncertain Significance.

NM_001378452.1(ITPR1):c.2734A>C (p.Lys912Gln)

Gene: ITPR1 (inositol 1,4,5-trisphosphate receptor type 1; plus strand). Cytogenetic location: 3p26.1.
Variant type: single nucleotide variant.
Coding change: c.2734A>C on transcript NM_001378452.1 (MANE Select); coding-DNA position 2734, A replaced by C.
Protein change: p.Lys912Gln; replaces lysine 912 with glutamine.
Molecular consequence: missense variant.
Genome position (GRCh38, 1-based): chr3:4,675,203, A>C. VCF-style: chr3-4675203-A-C. GRCh37 (hg19) VCF-style: chr3-4716887-A-C.
Other names: c.2734A>C, p.Lys912Gln (NM_001099952.4); c.2689A>C, p.Lys897Gln (NM_001168272.2, NM_002222.7); short protein forms K912Q, K897Q.
Identifiers: ClinVar variation 2118462 (VCV002118462.4), dbSNP rs745388030, ClinGen allele CA2231489.